The following is an entry in ClinVar:

NM_014967.5(FAN1):c.833C>G (p.Thr278Ser)

Gene: FAN1 (FANCD2 and FANCI associated nuclease 1; plus strand). Cytogenetic location: 15q13.3.
Variant type: single nucleotide variant.
Coding change: c.833C>G on transcript NM_014967.5 (MANE Select); coding-DNA position 833, C replaced by G.
Protein change: p.Thr278Ser; replaces threonine 278 with serine.
Molecular consequence: missense variant.
Genome position (GRCh38, 1-based): chr15:30,905,496, C>G. VCF-style: chr15-30905496-C-G. GRCh37 (hg19) VCF-style: chr15-31197699-C-G.
Other names: c.833C>G, p.Thr278Ser (NM_001146094.2, NM_001146095.1, NM_001146096.2); c.833C>G (NM_014967.4); short protein forms T278S.
Identifiers: ClinVar variation 1939452 (VCV001939452.6), dbSNP rs756991461, ClinGen allele CA7450136.

ClinVar aggregate classification (germline): Uncertain significance. Review status: criteria provided, multiple submitters, no conflicts (2 of 4 stars). 2 submissions from 2 submitters: Uncertain significance (2). Last evaluated 2025-08-14.

Conditions:
Inborn genetic diseases. Identifiers: MedGen C0950123, MeSH D030342.

Allele frequency attached by ClinVar (database versions not stated): ExAC 0.00002.
gnomAD v4.1: 16 of 1,614,082 alleles (0.00099%); highest among the groups gnomAD compares: Non-Finnish European, 0.0014%; no homozygotes.

Submissions (2):

Ambry Genetics
Classification: Uncertain significance for Inborn genetic diseases. Last evaluated: 2025-08-14. Review status: criteria provided, single submitter. Criteria: Ambry Variant Classification Scheme 2023. Collection method: clinical testing. Allele origin: germline.

Labcorp Genetics (formerly Invitae), Labcorp
Classification: Uncertain significance. Last evaluated: 2022-02-11. Review status: criteria provided, single submitter. Criteria: Invitae Variant Classification Sherloc (09022015). Collection method: clinical testing. Allele origin: germline.
Comment: This variant has not been reported in the literature in individuals affected with FAN1-related conditions. In summary, the available evidence is currently insufficient to determine the role of this variant in disease. Therefore, it has been classified as a Variant of Uncertain Significance. Algorithms developed to predict the effect of missense changes on protein structure and function output the following: SIFT: "Tolerated"; PolyPhen-2: "Benign"; Align-GVGD: "Class C0". The serine amino acid residue is found in multiple mammalian species, which suggests that this missense change does not adversely affect protein function. This variant is present in population databases (rs756991461, gnomAD 0.0009%). This sequence change replaces threonine, which is neutral and polar, with serine, which is neutral and polar, at codon 278 of the FAN1 protein (p.Thr278Ser).